The following is an entry in ClinVar:

ClinVar aggregate classification (germline): Uncertain significance (1 of 4 stars; one submission).

Conditions:
Familial adenomatous polyposis 1 (FAP1). Also called: FAMILIAL ADENOMATOUS POLYPOSIS 1, ATTENUATED; POLYPOSIS, ADENOMATOUS INTESTINAL. Identifiers: MedGen C2713442, MONDO:0021056, OMIM 175100. Disease mechanism: loss of function.

Submission:

Labcorp Genetics (formerly Invitae), Labcorp
Classification: Uncertain significance for Familial adenomatous polyposis 1. Last evaluated: 2023-01-12. Review status: criteria provided, single submitter. Criteria: Invitae Variant Classification Sherloc (09022015). Collection method: clinical testing. Allele origin: germline.
Comment: In summary, the available evidence is currently insufficient to determine the role of this variant in disease. Therefore, it has been classified as a Variant of Uncertain Significance. Advanced modeling of protein sequence and biophysical properties (such as structural, functional, and spatial information, amino acid conservation, physicochemical variation, residue mobility, and thermodynamic stability) performed at Invitae indicates that this missense variant is not expected to disrupt APC protein function. This sequence change replaces glutamine, which is neutral and polar, with histidine, which is basic and polar, at codon 203 of the APC protein (p.Gln203His). This variant is not present in population databases (gnomAD no frequency). This variant has not been reported in the literature in individuals affected with APC-related conditions.

NM_000038.6(APC):c.609A>C (p.Gln203His)

Gene: APC (APC regulator of Wnt signaling pathway; plus strand). Cytogenetic location: 5q22.2.
Variant type: single nucleotide variant.
Coding change: c.609A>C on transcript NM_000038.6 (MANE Select); coding-DNA position 609, A replaced by C.
Protein change: p.Gln203His; replaces glutamine 203 with histidine.
Molecular consequence: missense variant. On other transcripts: 5 prime UTR variant (4), non-coding transcript variant (2).
Genome position (GRCh38, 1-based): chr5:112,780,867, A>C. VCF-style: chr5-112780867-A-C. GRCh37 (hg19) VCF-style: chr5-112116564-A-C.
Other names: c.609A>C, p.Gln203His (NM_001127510.3, NM_001354895.2, NM_001354896.2 and 16 more transcripts); c.639A>C, p.Gln213His (NM_001127511.3, NM_001354897.2, NM_001354902.2 and 1 more transcripts); c.534A>C, p.Gln178His (NM_001354898.2, NM_001354904.2, NM_001407451.1); c.432A>C, p.Gln144His (NM_001354900.2, NM_001354901.2, NM_001354905.2 and 1 more transcripts); c.-427A>C (NM_001354906.2, NM_001407470.1, NM_001407471.1 and 1 more transcripts); short protein forms Q144H, Q213H, Q203H, Q178H.
Identifiers: ClinVar variation 3000798 (VCV003000798.3), dbSNP rs1060504874, ClinGen allele CA16022671.